The following is an entry in ClinVar:

NM_014625.4(NPHS2):c.535-96G>A

Gene: NPHS2 (NPHS2 stomatin family member, podocin; minus strand). Cytogenetic location: 1q25.2.
Variant type: single nucleotide variant.
Coding change: c.535-96G>A on transcript NM_014625.4 (MANE Select); 96 bases into the intron before coding-DNA position 535, G replaced by A.
Molecular consequence: intron variant.
Genome position (GRCh38, 1-based): chr1:179,557,326, C>T on the plus strand (G>A on the coding strand, the complement: NPHS2 is on the minus strand). VCF-style: chr1-179557326-C-T. GRCh37 (hg19) VCF-style: chr1-179526461-C-T.
Other names: c.534+2353G>A (NM_001297575.2).
Identifiers: ClinVar variation 1683795 (VCV001683795.3), dbSNP rs77214799, ClinGen allele CA33697551.
Genomic context (GRCh38, chr1:179,557,326, plus strand): 5'-CTTGGGCTCCTTTCCTATGTGGGGTTAGAGGAACTAAATGTGTTCAAAGTGAATTTTCTC[C>T]GCAAGAGAAAAATGGAGTTGGCCTACCCTTTATTTAAAATAGACATGTTTTTGAAAATTA-3'

ClinVar aggregate classification (germline): Likely benign. Review status: criteria provided, multiple submitters, no conflicts (2 of 4 stars). 2 submissions from 2 submitters: Likely benign (2). Last evaluated 2021-10-27.

Allele frequency attached by ClinVar (database versions not stated): gnomAD exomes 0.00170; gnomAD 0.00763 and 0.00815; 1000 Genomes Project 0.00779; 1000 Genomes Project 30x 0.00812; TOPMed 0.00917.

Submissions (2):

GeneDx
Classification: Likely benign. Last evaluated: 2021-10-27. Review status: criteria provided, single submitter. Criteria: GeneDx Variant Classification Process June 2021. Collection method: clinical testing. Allele origin: germline. Affected: yes.
Comment: See Variant Classification Assertion Criteria.

Breakthrough Genomics
Classification: Likely benign. Review status: criteria provided, single submitter. Criteria: ACMG Guidelines, 2015. Collection method: not provided. Allele origin: germline. Inheritance: Autosomal recessive inheritance. Affected: yes.